The following is an entry in ClinVar:

NM_001013672.5(LIAT1):c.921C>T (p.Pro307=)

Genes: LIAT1 (ligand of ATE1; plus strand), LOC105371430 (uncharacterized LOC105371430; minus strand). Cytogenetic location: 17p13.3.
Variant type: single nucleotide variant.
Coding change: c.921C>T on transcript NM_001013672.5 (MANE Select); coding-DNA position 921, C replaced by T.
Protein change: p.Pro307=; no amino-acid change (proline 307 retained).
Molecular consequence: synonymous variant.
Genome position (GRCh38, 1-based): chr17:413,764, C>T. VCF-style: chr17-413764-C-T. GRCh37 (hg19) VCF-style: chr17-263555-C-T.
Identifiers: ClinVar variation 3905045 (VCV003905045.10).

ClinVar aggregate classification (germline): Likely benign (1 of 4 stars; one submission).

gnomAD v4.1: 19 of 1,569,982 alleles (0.0012%); highest among the groups gnomAD compares: South Asian, 0.0056%; no homozygotes.

Submission:

CeGaT Center for Human Genetics Tuebingen
Classification: Likely benign. Last evaluated: 2025-07-01. Review status: criteria provided, single submitter. Criteria: CeGaT Center For Human Genetics Tuebingen Variant Classification Criteria Version 2. Collection method: clinical testing. Allele origin: germline. Affected: yes. Observed: 2 variant alleles.
Comment: LIAT1: BP4, BP7